The following is an entry in ClinVar:

ClinVar aggregate classification (germline): Conflicting classifications of pathogenicity. Review status: criteria provided, conflicting classifications (1 of 4 stars). 2 submissions from 2 submitters: Uncertain significance (1); Likely benign (1). Last evaluated 2023-10-20.

Conditions:
Mendelian susceptibility to mycobacterial diseases due to complete IL12RB1 deficiency. Also called: IL12RB1 DEFICIENCY; Immunodeficiency 30. Identifiers: Orphanet 319552, MedGen C4013949, MONDO:0013955, OMIM 614891.
Inborn genetic diseases. Identifiers: MedGen C0950123, MeSH D030342.

Allele frequency attached by ClinVar (database versions not stated): gnomAD 0.00002; TOPMed 0.00002; ExAC 0.00006.
gnomAD v4.1: 32 of 1,612,782 alleles (0.002%); highest among the groups gnomAD compares: East Asian, 0.062%; no homozygotes.

Submissions (2):

Ambry Genetics
Classification: Likely benign for Inborn genetic diseases. Last evaluated: 2023-10-20. Review status: criteria provided, single submitter. Criteria: Ambry Variant Classification Scheme 2023. Collection method: clinical testing. Allele origin: germline.

Labcorp Genetics (formerly Invitae), Labcorp
Classification: Uncertain significance for Mendelian susceptibility to mycobacterial diseases due to complete IL12RB1 deficiency. Last evaluated: 2022-06-13. Review status: criteria provided, single submitter. Criteria: Invitae Variant Classification Sherloc (09022015). Collection method: clinical testing. Allele origin: germline.
Comment: This sequence change replaces proline, which is neutral and non-polar, with serine, which is neutral and polar, at codon 228 of the IL12RB1 protein (p.Pro228Ser). This variant is present in population databases (rs763646234, gnomAD 0.08%). This variant has not been reported in the literature in individuals affected with IL12RB1-related conditions. Algorithms developed to predict the effect of missense changes on protein structure and function output the following: SIFT: "Tolerated"; PolyPhen-2: "Benign"; Align-GVGD: "Class C0". The serine amino acid residue is found in multiple mammalian species, which suggests that this missense change does not adversely affect protein function. In summary, the available evidence is currently insufficient to determine the role of this variant in disease. Therefore, it has been classified as a Variant of Uncertain Significance.

NM_005535.3(IL12RB1):c.682C>T (p.Pro228Ser)

Gene: IL12RB1 (interleukin 12 receptor subunit beta 1; minus strand). Cytogenetic location: 19p13.11.
Variant type: single nucleotide variant.
Coding change: c.682C>T on transcript NM_005535.3 (MANE Select); coding-DNA position 682, C replaced by T.
Protein change: p.Pro228Ser; replaces proline 228 with serine.
Molecular consequence: missense variant.
Genome position (GRCh38, 1-based): chr19:18,075,767, G>A on the plus strand (C>T on the coding strand, the complement: IL12RB1 is on the minus strand). VCF-style: chr19-18075767-G-A. GRCh37 (hg19) VCF-style: chr19-18186577-G-A.
Other names: c.682C>T, p.Pro228Ser (NM_001290023.2, NM_153701.3); c.802C>T, p.Pro268Ser (NM_001290024.2); short protein forms P228S, P268S.
Identifiers: ClinVar variation 2177935 (VCV002177935.2), dbSNP rs763646234, ClinGen allele CA9305121.